The following is an entry in ClinVar:

NM_015338.6(ASXL1):c.3005C>A (p.Ala1002Asp)

Gene: ASXL1 (ASXL transcriptional regulator 1; plus strand). Cytogenetic location: 20q11.21.
Variant type: single nucleotide variant.
Coding change: c.3005C>A on transcript NM_015338.6 (MANE Select); coding-DNA position 3005, C replaced by A.
Protein change: p.Ala1002Asp; replaces alanine 1002 with aspartic acid.
Molecular consequence: missense variant.
Genome position (GRCh38, 1-based): chr20:32,435,717, C>A. VCF-style: chr20-32435717-C-A. GRCh37 (hg19) VCF-style: chr20-31023520-C-A.
Other names: c.2822C>A, p.Ala941Asp (NM_001363734.1); short protein forms A941D, A1002D.
Identifiers: ClinVar variation 1920739 (VCV001920739.6), dbSNP rs2011807232, ClinGen allele CA408561803.
Genomic context (GRCh38, chr20:32,435,717, plus strand): 5'-AGCTGAAAATCAACGGAGACTCTGAAGCACTGAGTCCTCACGGTGAGTCCACGGATACAG[C>A]CTCTGACTTTGAAGGTCACCTCACGGAGGACAGCAGTGAGGCTGACACTAGAGAAGCTGC-3'
Protein context (NP_056153.2, residues 992-1012): LSPHGESTDT[Ala1002Asp]SDFEGHLTED

ClinVar aggregate classification (germline): Uncertain significance. Review status: criteria provided, multiple submitters, no conflicts (2 of 4 stars). 2 submissions from 2 submitters: Uncertain significance (2). Last evaluated 2024-12-15.

Conditions:
Inborn genetic diseases. Identifiers: MedGen C0950123, MeSH D030342.

gnomAD v4.1: 3 of 1,614,198 alleles (0.00019%); highest among the groups gnomAD compares: Middle Eastern, 0.033%; no homozygotes.

Submissions (2):

Ambry Genetics
Classification: Uncertain significance for Inborn genetic diseases. Last evaluated: 2024-12-15. Review status: criteria provided, single submitter. Criteria: Ambry Variant Classification Scheme 2023. Collection method: clinical testing. Allele origin: germline.
Comment: The p.A1002D variant (also known as c.3005C>A), located in coding exon 13 of the ASXL1 gene, results from a C to A substitution at nucleotide position 3005. The alanine at codon 1002 is replaced by aspartic acid, an amino acid with dissimilar properties. This amino acid position is conserved. In addition, the in silico prediction for this alteration is inconclusive. Based on the available evidence, the clinical significance of this variant remains unclear.

Labcorp Genetics (formerly Invitae), Labcorp
Classification: Uncertain significance. Last evaluated: 2022-08-16. Review status: criteria provided, single submitter. Criteria: Invitae Variant Classification Sherloc (09022015). Collection method: clinical testing. Allele origin: germline.
Comment: This sequence change replaces alanine, which is neutral and non-polar, with aspartic acid, which is acidic and polar, at codon 1002 of the ASXL1 protein (p.Ala1002Asp). This variant is not present in population databases (gnomAD no frequency). This variant has not been reported in the literature in individuals affected with ASXL1-related conditions. Algorithms developed to predict the effect of missense changes on protein structure and function are either unavailable or do not agree on the potential impact of this missense change (SIFT: "Deleterious"; PolyPhen-2: "Probably Damaging"; Align-GVGD: "Class C0"). In summary, the available evidence is currently insufficient to determine the role of this variant in disease. Therefore, it has been classified as a Variant of Uncertain Significance.